The following is an entry in ClinVar:

ClinVar aggregate classification (germline): Pathogenic/Likely pathogenic. Review status: criteria provided, multiple submitters, no conflicts (2 of 4 stars). 6 submissions from 6 submitters: Pathogenic (3); Likely pathogenic (1). 2 of the submissions do not count toward it. Last evaluated 2025-10-08.

Conditions:
Stormorken syndrome (STRMK). Also called: THROMBOCYTOPATHY, ASPLENIA, AND MIOSIS. Identifiers: Orphanet 3204, MedGen C1861451, MONDO:0008497, OMIM 185070.
Combined immunodeficiency due to STIM1 deficiency. Also called: IMMUNODEFICIENCY 10; STIM1 DEFICIENCY. Identifiers: Orphanet 169090, Orphanet 317430, MedGen C2748557, MONDO:0013008, OMIM 612783.
Myopathy with tubular aggregates (TAM). Also called: Tubular Aggregate Myopathy. Identifiers: Orphanet 2593, MedGen C0410207, MONDO:0008051.
Myopathy, tubular aggregate, 1 (TAM1). Identifiers: MedGen C4011726, MONDO:0024531, OMIM 160565.

Allele frequency attached by ClinVar (database versions not stated): gnomAD exomes below 0.00001.
gnomAD v4.1: 1 of 1,614,120 alleles (0.000062%); highest among the groups gnomAD compares: Non-Finnish European, 0.000085%; no homozygotes.

Submissions (6):

Clinical Omics and Informatics (COIN) Unit, Neuroscience Institute, University Of Cape Town
Classification: Likely pathogenic for Myopathy, tubular aggregate, 1. Last evaluated: 2025-10-08. Review status: criteria provided, single submitter. Criteria: ACMG Guidelines, 2015. Collection method: research. Allele origin: germline. Inheritance: Autosomal dominant inheritance. Affected: yes. Observed: 1 heterozygote.
Comment: PM2_Supporting: The highest population allele frequency in gnomAD v4.0 is 8.475e-7 (0.00008%; 1/1179986 alleles in the European (non-Finnish) population) and there are no homozygous observations. The variant is absent from AGVD. PP1 Not Met: variant segregates with 1 informative meiosis in 1 family (PMID: 2333290). PP3_Moderate: Revel score is 0.90. PM1 Met: Study suggests that the c.326A>G p.(His109Arg) seems to be a hotspot mutation that is characteristically related to early onset muscle weakness (PMID:24570283). PM5 Met: p.His109Tyr and p.His109Asn classified as pathogenic (ClinVar VCV003763455.1, VCV000041482.1). PM6 Met: 1 point awarded for 2 de novo observations (without confirmed paternity) and phenotype consistent with gene but not highly specific (PMID: 24570283). PS3_Supporting: Experimental studies have shown that this missense change affects STIM1 function (PMID: 23332920).

Labcorp Genetics (formerly Invitae), Labcorp
Classification: Pathogenic for Myopathy with tubular aggregates; Combined immunodeficiency due to STIM1 deficiency; Stormorken syndrome. Last evaluated: 2025-10-07. Review status: criteria provided, single submitter. Criteria: Invitae Variant Classification Sherloc (09022015). Collection method: clinical testing. Allele origin: germline.
Comment: This sequence change replaces histidine, which is basic and polar, with arginine, which is basic and polar, at codon 109 of the STIM1 protein (p.His109Arg). This variant is not present in population databases (gnomAD no frequency). This missense change has been observed in individual(s) with tubular aggregate myopathy (TAM) (PMID: 23332920, 24570283). In at least one individual the variant was observed to be de novo. ClinVar contains an entry for this variant (Variation ID: 41483). Invitae Evidence Modeling of protein sequence and biophysical properties (such as structural, functional, and spatial information, amino acid conservation, physicochemical variation, residue mobility, and thermodynamic stability) has been performed for this missense variant. However, the output from this modeling did not meet the statistical confidence thresholds required to predict the impact of this variant on STIM1 protein function. Experimental studies have shown that this missense change affects STIM1 function (PMID: 23332920). For these reasons, this variant has been classified as Pathogenic.

CeGaT Center for Human Genetics Tuebingen
Classification: Pathogenic. Last evaluated: 2024-03-01. Review status: criteria provided, single submitter. Criteria: CeGaT Center For Human Genetics Tuebingen Variant Classification Criteria Version 2. Collection method: clinical testing. Allele origin: germline. Affected: yes. Observed: 2 variant alleles.
Comment: STIM1: PM2, PM5, PM6, PS4:Moderate, PP4, PS3:Supporting

Revvity Omics, Revvity
Classification: Pathogenic. Last evaluated: 2021-03-17. Review status: criteria provided, single submitter. Criteria: ACMG Guidelines, 2015. Collection method: clinical testing. Allele origin: germline.

OMIM
Classification: Pathogenic for MYOPATHY, TUBULAR AGGREGATE, 1. Last evaluated: 2014-05-01. Review status: no assertion criteria provided. Collection method: literature only. Allele origin: germline. Not counted in ClinVar's aggregate classification.

Genomics England Pilot Project, Genomics England
Classification: Likely pathogenic for Myopathy, tubular aggregate, 1. Review status: no assertion criteria provided. Criteria: ACGS Guidelines, 2016. Collection method: clinical testing. Allele origin: germline. Affected: yes. Not counted in ClinVar's aggregate classification.

Literature cited by the submitters: PubMed 24570283 (cited by 3 submitters); PubMed 2333290 (cited by Clinical Omics and Informatics (COIN) Unit, Neuroscience Institute, University Of Cape Town); PubMed 23332920 (cited by Labcorp Genetics (formerly Invitae), Labcorp and OMIM).

NM_001382567.1(STIM1):c.326A>G (p.His109Arg)

Gene: STIM1 (stromal interaction molecule 1; plus strand). Cytogenetic location: 11p15.4.
Variant type: single nucleotide variant.
Coding change: c.326A>G on transcript NM_001382567.1 (MANE Select); coding-DNA position 326, A replaced by G.
Protein change: p.His109Arg; replaces histidine 109 with arginine.
Molecular consequence: missense variant. On other transcripts: 5 prime UTR variant (3), non-coding transcript variant (3).
Genome position (GRCh38, 1-based): chr11:4,023,928, A>G. VCF-style: chr11-4023928-A-G. GRCh37 (hg19) VCF-style: chr11-4045158-A-G.
Other names: c.326A>G, p.His109Arg (NM_001277961.3, NM_001277962.2, NM_001382568.1 and 3 more transcripts); c.104A>G, p.His35Arg (NM_001382566.1, NM_001382573.1, NM_001382574.1 and 5 more transcripts); c.191A>G, p.His64Arg (NM_001382569.1); c.-43A>G (NM_001382571.1); c.-164A>G (NM_001382580.1, NM_001382581.1); short protein forms H109R, H35R, H64R.
Identifiers: ClinVar variation 41483 (VCV000041483.37), dbSNP rs397514677, ClinGen allele CA130868.